The following is an entry in ClinVar:

NM_015040.4(PIKFYVE):c.242C>T (p.Ser81Leu)

Gene: PIKFYVE (phosphoinositide kinase, FYVE-type zinc finger containing; plus strand). Cytogenetic location: 2q34.
Variant type: single nucleotide variant.
Coding change: c.242C>T on transcript NM_015040.4 (MANE Select); coding-DNA position 242, C replaced by T.
Protein change: p.Ser81Leu; replaces serine 81 with leucine.
Molecular consequence: missense variant.
Genome position (GRCh38, 1-based): chr2:208,273,653, C>T. VCF-style: chr2-208273653-C-T. GRCh37 (hg19) VCF-style: chr2-209138377-C-T.
Other names: c.242C>T, p.Ser81Leu (NM_001178000.2, NM_152671.4); short protein forms S81L.
Identifiers: ClinVar variation 1943962 (VCV001943962.5), dbSNP rs779528859, ClinGen allele CA64553103.

ClinVar aggregate classification (germline): Uncertain significance (1 of 4 stars; one submission).

Allele frequency attached by ClinVar (database versions not stated): TOPMed 0.00002.
gnomAD v4.1: 11 of 1,613,962 alleles (0.00068%); highest among the groups gnomAD compares: East Asian, 0.0022%; no homozygotes.

Submission:

Labcorp Genetics (formerly Invitae), Labcorp
Classification: Uncertain significance. Last evaluated: 2022-09-27. Review status: criteria provided, single submitter. Criteria: Invitae Variant Classification Sherloc (09022015). Collection method: clinical testing. Allele origin: germline.
Comment: In summary, the available evidence is currently insufficient to determine the role of this variant in disease. Therefore, it has been classified as a Variant of Uncertain Significance. Algorithms developed to predict the effect of missense changes on protein structure and function are either unavailable or do not agree on the potential impact of this missense change (SIFT: "Not Available"; PolyPhen-2: "Benign"; Align-GVGD: "Not Available"). This variant has not been reported in the literature in individuals affected with PIKFYVE-related conditions. This variant is present in population databases (rs779528859, gnomAD 0.007%). This sequence change replaces serine, which is neutral and polar, with leucine, which is neutral and non-polar, at codon 81 of the PIKFYVE protein (p.Ser81Leu).